The following is an entry in ClinVar:

ClinVar aggregate classification (germline): Uncertain significance (1 of 4 stars; one submission).

Submission:

GeneDx
Classification: Uncertain significance. Last evaluated: 2024-05-30. Review status: criteria provided, single submitter. Criteria: GeneDx Variant Classification Process June 2021. Collection method: clinical testing. Allele origin: germline. Affected: yes.
Comment: Not observed at significant frequency in large population cohorts (gnomAD); In silico analysis indicates that this variant does not alter splicing; Has not been previously published as pathogenic or benign to our knowledge

NM_016519.6(AMBN):c.360G>A (p.Gln120=)

Gene: AMBN (ameloblastin; plus strand). Cytogenetic location: 4q13.3.
Variant type: single nucleotide variant.
Coding change: c.360G>A on transcript NM_016519.6 (MANE Select); coding-DNA position 360, G replaced by A.
Protein change: p.Gln120=; no amino-acid change (glutamine 120 retained).
Molecular consequence: synonymous variant.
Genome position (GRCh38, 1-based): chr4:70,601,483, G>A. VCF-style: chr4-70601483-G-A. GRCh37 (hg19) VCF-style: chr4-71467200-G-A.
Identifiers: ClinVar variation 3383837 (VCV003383837.1).